The following is an entry in ClinVar:

NM_003060.4(SLC22A5):c.*843T>C

Gene: SLC22A5 (solute carrier family 22 member 5; plus strand). Cytogenetic location: 5q31.1.
Variant type: single nucleotide variant.
Coding change: c.*843T>C on transcript NM_003060.4 (MANE Select); 843 bases downstream of the stop codon, T replaced by C.
Molecular consequence: 3 prime UTR variant.
Genome position (GRCh38, 1-based): chr5:132,395,115, T>C. VCF-style: chr5-132395115-T-C. GRCh37 (hg19) VCF-style: chr5-131730807-T-C.
Other names: c.*843T>C (NM_001308122.2).
Identifiers: ClinVar variation 350827 (VCV000350827.5), dbSNP rs274548, ClinGen allele CA10622518.

ClinVar aggregate classification (germline): Benign (1 of 4 stars; one submission).

Conditions:
Renal carnitine transport defect (CDSP). Also called: CARNITINE DEFICIENCY, SYSTEMIC, DUE TO DEFECT IN RENAL REABSORPTION OF CARNITINE; CARNITINE TRANSPORTER, PLASMA-MEMBRANE, DEFICIENCY OF; CARNITINE UPTAKE DEFECT; Primary carnitine deficiency; Systemic primary carnitine deficiency; Carnitine transporter deficiency. Identifiers: Orphanet 158, MedGen C0342788, MONDO:0008919, OMIM 212140.

Allele frequency attached by ClinVar (database versions not stated): 1000 Genomes Project 30x 0.73641; TOPMed 0.73835; gnomAD 0.74357 and 0.75077; 1000 Genomes Project 0.74421; gnomAD exomes 0.80000.

Submission:

Illumina Laboratory Services, Illumina
Classification: Benign for Renal carnitine transport defect. Last evaluated: 2018-01-12. Review status: criteria provided, single submitter. Criteria: ICSL Variant Classification Criteria 13 December 2019. Collection method: clinical testing. Allele origin: germline.
Comment: This variant was observed in the ICSL laboratory as part of a predisposition screen in an ostensibly healthy population. It had not been previously curated by ICSL or reported in the Human Gene Mutation Database (HGMD: prior to June 1st, 2018), and was therefore a candidate for classification through an automated scoring system. Utilizing variant allele frequency, disease prevalence and penetrance estimates, and inheritance mode, an automated score was calculated to assess if this variant is too frequent to cause the disease. Based on the score and internal cut-off values, a variant classified as benign is not then subjected to further curation. The score for this variant resulted in a classification of benign for this disease.